The following is an entry in ClinVar:

ClinVar aggregate classification (germline): Likely pathogenic (1 of 4 stars; one submission).

Conditions:
Hereditary cancer-predisposing syndrome. Also called: Neoplastic Syndromes, Hereditary; Tumor predisposition; Hereditary Cancer Syndrome; Hereditary neoplastic syndrome. Identifiers: Orphanet 140162, MedGen C0027672, MeSH D009386, MONDO:0015356.

Submission:

Ambry Genetics
Classification: Likely pathogenic for Hereditary cancer-predisposing syndrome. Last evaluated: 2026-04-17. Review status: criteria provided, single submitter. Criteria: Ambry Variant Classification Scheme 2023. Collection method: clinical testing. Allele origin: germline.
Comment: The c.404+26G>A intronic variant results from a G to A substitution 26 nucleotides after coding exon 2 in the RAD51C gene. This nucleotide position is not well conserved in available vertebrate species. In silico splice site analysis predicts that this alteration will result in the creation or strengthening of a novel splice donor site. RNA studies have demonstrated that this variant results in abnormal splicing in the set of samples tested (Ambry internal data). This variant is considered to be rare based on population cohorts in the Genome Aggregation Database (gnomAD). Based on the majority of available evidence to date, this variant is likely to be pathogenic.

NM_058216.3(RAD51C):c.404+26G>A

Gene: RAD51C (RAD51 paralog C; plus strand). Cytogenetic location: 17q22.
Variant type: single nucleotide variant.
Coding change: c.404+26G>A on transcript NM_058216.3 (MANE Select); 26 bases into the intron after coding-DNA position 404, G replaced by A.
Molecular consequence: intron variant. On other transcripts: 3 prime UTR variant (1), non-coding transcript variant (1).
Genome position (GRCh38, 1-based): chr17:58,695,215, G>A. VCF-style: chr17-58695215-G-A. GRCh37 (hg19) VCF-style: chr17-56772576-G-A.
Other names: c.*22G>A (NM_002876.4).
Identifiers: ClinVar variation 4862928 (VCV004862928.1).